The following is an entry in ClinVar:

NM_015166.4(MLC1):c.772-2del

Gene: MLC1 (modulator of VRAC current 1; minus strand). Cytogenetic location: 22q13.33.
Variant type: Deletion.
Coding change: c.772-2del on transcript NM_015166.4 (MANE Select); the canonical splice acceptor site of the intron before coding-DNA position 772, one base deleted (A; older notation c.772-2delA).
Molecular consequence: splice acceptor variant.
Genome position (GRCh38, 1-based): chr22:50,068,557, T deleted on the plus strand (A on the coding strand, the reverse complement: MLC1 is on the minus strand). VCF-style (leftmost placement, unchanged base first): chr22-50068556-CT-C. GRCh37 (hg19) VCF-style: chr22-50506985-CT-C.
Other names: c.772-2del (NM_001376473.1, NM_001376478.1, NM_139202.3 and 5 more transcripts); c.535-2del (NM_001376484.1); c.682-2del (NM_001376480.1); c.616-2del (NM_001376482.1, NM_001376483.1); c.670-2del (NM_001376481.1); c.715-2del (NM_001376479.1).
Identifiers: ClinVar variation 2720190 (VCV002720190.3), dbSNP rs2518488795, ClinGen allele CA2657475730.

ClinVar aggregate classification (germline): Likely pathogenic (1 of 4 stars; one submission).

Allele frequency attached by ClinVar (database versions not stated): gnomAD exomes 0.00001.

Submission:

Labcorp Genetics (formerly Invitae), Labcorp
Classification: Likely pathogenic. Last evaluated: 2023-06-20. Review status: criteria provided, single submitter. Criteria: Invitae Variant Classification Sherloc (09022015). Collection method: clinical testing. Allele origin: germline.
Comment: This sequence change affects a splice site in intron 9 of the MLC1 gene. It is expected to disrupt RNA splicing. Variants that disrupt the donor or acceptor splice site typically lead to a loss of protein function (PMID: 16199547), and loss-of-function variants in MLC1 are known to be pathogenic (PMID: 11254442, 16470554, 24824219). This variant is not present in population databases (gnomAD no frequency). This variant has not been reported in the literature in individuals affected with MLC1-related conditions. Algorithms developed to predict the effect of sequence changes on RNA splicing suggest that this variant may disrupt the consensus splice site. In summary, the currently available evidence indicates that the variant is pathogenic, but additional data are needed to prove that conclusively. Therefore, this variant has been classified as Likely Pathogenic.

Literature cited by the submitters: PubMed 16199547; PubMed 11254442; PubMed 16470554; PubMed 24824219.